The following is an entry in ClinVar:

ClinVar aggregate classification (germline): Pathogenic. Review status: criteria provided, multiple submitters, no conflicts (2 of 4 stars). 8 submissions from 8 submitters: Pathogenic (8). Last evaluated 2026-01-28.

Conditions:
Trichothiodystrophy 1, photosensitive (TTD1). Also called: TAY SYNDROME; TRICHOTHIODYSTROPHY WITH CONGENITAL ICHTHYOSIS; PIBIDS SYNDROME. Identifiers: Orphanet 33364, MedGen C1866504, MONDO:0011125, OMIM 601675.
Cerebrooculofacioskeletal syndrome 2 (COFS2). Identifiers: MedGen C1853102, MONDO:0012553, OMIM 610756.
ERCC2-related disorder. Also called: ERCC2-related conditions; ERCC2-related condition; ERCC2-related disorders. Identifiers: MedGen CN239291.

Allele frequency attached by ClinVar (database versions not stated): gnomAD exomes below 0.00001 and 0.00001; ExAC 0.00001; gnomAD 0.00001; TOPMed 0.00003.
gnomAD v4.1: 11 of 1,613,984 alleles (0.00068%); highest among the groups gnomAD compares: Non-Finnish European, 0.00085%; no homozygotes.

Submissions (8):

Labcorp Genetics (formerly Invitae), Labcorp
Classification: Pathogenic. Last evaluated: 2026-01-28. Review status: criteria provided, single submitter. Criteria: Invitae Variant Classification Sherloc (09022015). Collection method: clinical testing. Allele origin: germline.
Comment: This sequence change creates a premature translational stop signal (p.Gln662*) in the ERCC2 gene. It is expected to result in an absent or disrupted protein product. Loss-of-function variants in ERCC2 are known to be pathogenic (PMID: 9238033, 11335038, 19085937, 19934020). This variant is present in population databases (rs778479250, gnomAD 0.002%). This premature translational stop signal has been observed in individual(s) with trichothiodystrophy (PMID: 19085937). ClinVar contains an entry for this variant (Variation ID: 1319436). For these reasons, this variant has been classified as Pathogenic.

CeGaT Center for Human Genetics Tuebingen
Classification: Pathogenic. Last evaluated: 2024-09-01. Review status: criteria provided, single submitter. Criteria: CeGaT Center For Human Genetics Tuebingen Variant Classification Criteria Version 2. Collection method: clinical testing. Allele origin: germline. Affected: yes. Observed: 2 variant alleles.
Comment: ERCC2: PVS1, PM2, PM3:Supporting

Dasa
Classification: Pathogenic. Last evaluated: 2024-06-18. Review status: criteria provided, single submitter. Criteria: DASA Assertion Criteria. Collection method: clinical testing. Allele origin: germline.
Comment: NM_000400.4(ERCC2):c.1984C>T (p.Gln662Ter) introduces a premature termination codon predicted to result in loss of normal protein function. Loss-of-function is an established mechanism of disease for this gene. This variant has been reported in an affected individual with related phenotype in a genotype context consistent with recessive disease (PMID: 19085937). Multiple computational predictions support a deleterious effect on the gene or gene product. The variant is present at low frequency in population datasets. Based on the available data, this variant is classified as pathogenic.

Myriad Genetics, Inc.
Classification: Pathogenic for ERCC2-related disorder. Last evaluated: 2024-05-15. Review status: criteria provided, single submitter. Criteria: Myriad Autosomal Dominant, Autosomal Recessive and X-Linked Classification Criteria (2023). Collection method: clinical testing. Allele origin: unknown.
Comment: NM_000400.3(ERCC2):c.1984C>T(Q662*) is expected to be pathogenic in the context of ERCC2-related disorders. This variant is predicted to lead to an abnormal or absent protein product due to the creation of a premature termination codon in ERCC2, a gene where loss-of-function variants are known to be pathogenic. Please note: this variant was assessed in the context of healthy population screening.

Baylor Genetics
Classification: Pathogenic for Cerebrooculofacioskeletal syndrome 2. Last evaluated: 2023-08-14. Review status: criteria provided, single submitter. Criteria: ACMG Guidelines, 2015. Collection method: clinical testing. Allele origin: unknown.

Greenwood Genetic Center Diagnostic Laboratories, Greenwood Genetic Center
Classification: Pathogenic for Trichothiodystrophy 1, photosensitive. Last evaluated: 2022-07-20. Review status: criteria provided, single submitter. Criteria: ACMG Guidelines, 2015. Collection method: clinical testing. Allele origin: germline. Affected: yes.
Comment: PVS1, PM2, PS3

GeneDx
Classification: Pathogenic. Last evaluated: 2022-02-21. Review status: criteria provided, single submitter. Criteria: GeneDx Variant Classification Process June 2021. Collection method: clinical testing. Allele origin: germline. Affected: yes.
Comment: Nonsense variant predicted to result in protein truncation or nonsense mediated decay in a gene for which loss-of-function is a known mechanism of disease; Not observed at a significant frequency in large population cohorts (gnomAD); This variant is associated with the following publications: (PMID: 23221806, 25525159, 19085937)

Institute for Clinical Genetics, University Hospital TU Dresden, University Hospital TU Dresden
Classification: Pathogenic. Last evaluated: 2021-11-03. Review status: criteria provided, single submitter. Criteria: ACMG Guidelines, 2015. Collection method: clinical testing. Allele origin: germline.

Literature cited by the submitters: PubMed 9238033 (cited by Labcorp Genetics (formerly Invitae), Labcorp); PubMed 11335038 (cited by Labcorp Genetics (formerly Invitae), Labcorp); PubMed 19085937 (cited by Labcorp Genetics (formerly Invitae), Labcorp and Dasa); PubMed 19934020 (cited by Labcorp Genetics (formerly Invitae), Labcorp).

NM_000400.4(ERCC2):c.1984C>T (p.Gln662Ter)

Gene: ERCC2 (ERCC excision repair 2, TFIIH core complex helicase subunit; minus strand). Cytogenetic location: 19q13.32.
Variant type: single nucleotide variant.
Coding change: c.1984C>T on transcript NM_000400.4 (MANE Select); coding-DNA position 1984, C replaced by T.
Protein change: p.Gln662Ter; replaces glutamine 662 with a stop codon.
Molecular consequence: nonsense.
Genome position (GRCh38, 1-based): chr19:45,352,568, G>A on the plus strand (C>T on the coding strand, the complement: ERCC2 is on the minus strand). VCF-style: chr19-45352568-G-A. GRCh37 (hg19) VCF-style: chr19-45855826-G-A.
Other names: short protein forms Q662*.
Identifiers: ClinVar variation 1319436 (VCV001319436.31), dbSNP rs778479250, ClinGen allele CA9512950.
Genomic context (GRCh38, chr19:45,352,568, plus strand): 5'-TGTCGGCAAAGACCATGAGGCCGTAGTCCGTCTTGCCCCTGATGGCCCGACCCACACACT[G>A]GGCCGCGTGGCGCATGGCATCGAAGGTAAGAAAGTCATTCTCACGAATCTGGAACTGGTC-3'